The following is an entry in ClinVar:

NM_001267550.2(TTN):c.20602G>A (p.Gly6868Arg)

Gene: TTN (titin; minus strand). Cytogenetic location: 2q31.2.
Variant type: single nucleotide variant.
Coding change: c.20602G>A on transcript NM_001267550.2 (MANE Select); coding-DNA position 20602, G replaced by A.
Protein change: p.Gly6868Arg; replaces glycine 6868 with arginine.
Molecular consequence: missense variant. On other transcripts: intron variant (3).
Genome position (GRCh38, 1-based): chr2:178,725,602, C>T on the plus strand (G>A on the coding strand, the complement: TTN is on the minus strand). VCF-style: chr2-178725602-C-T. GRCh37 (hg19) VCF-style: chr2-179590329-C-T.
Other names: p.G5624R:GGA>AGA; c.19651G>A, p.Gly6551Arg (NM_001256850.1); c.16870G>A, p.Gly5624Arg (NM_133378.4); c.13282+12480G>A (NM_003319.4); c.13858+12480G>A (NM_133437.4); c.13657+12480G>A (NM_133432.3); short protein forms G6868R, G5624R, G6551R.
Identifiers: ClinVar variation 46672 (VCV000046672.80), dbSNP rs17355460, ClinGen allele CA282778.

ClinVar aggregate classification (germline): Benign/Likely benign. Review status: criteria provided, multiple submitters, no conflicts (2 of 4 stars). 28 submissions from 21 submitters: Benign (16); Likely benign (7). 5 of the submissions do not count toward it. Last evaluated 2026-09-01.

Conditions:
Cardiovascular phenotype. Identifiers: MedGen CN230736.
Autosomal recessive limb-girdle muscular dystrophy type 2J (LGMDR10). Also called: MUSCULAR DYSTROPHY, LIMB-GIRDLE, AUTOSOMAL RECESSIVE 10; Limb-girdle muscular dystrophy, type 2J. Identifiers: Orphanet 140922, MedGen C1837342, MONDO:0012127, OMIM 608807.
Dilated cardiomyopathy 1G (CMD1G). Identifiers: Orphanet 154, MedGen C1858763, MONDO:0011400, OMIM 604145.
Early-onset myopathy with fatal cardiomyopathy (CMYO5). Also called: CONGENITAL MYOPATHY 5 WITH CARDIOMYOPATHY; Salih Myopathy. Identifiers: Orphanet 289377, MedGen C2673677, MONDO:0012714, OMIM 611705. Disease mechanism: loss of function.
Myopathy, myofibrillar, 9, with early respiratory failure (MFM9). Also called: Myopathy, distal, with early respiratory failure, autosomal dominant; Hereditary myopathy with early respiratory failure; EDSTROM MYOPATHY; MYOPATHY, PROXIMAL, WITH EARLY RESPIRATORY MUSCLE INVOLVEMENT. Identifiers: Orphanet 178464, Orphanet 34521, MedGen C1863599, MONDO:0011362, OMIM 603689.
Tibial muscular dystrophy (TMD). Also called: Tibial muscular dystrophy, tardive; Udd Distal Myopathy – Tibial Muscular Dystrophy; UDD MYOPATHY. Identifiers: Orphanet 609, MedGen C1838244, MONDO:0010870, OMIM 600334.

Allele frequency attached by ClinVar (database versions not stated): 1000 Genomes Project 30x 0.00625; gnomAD exomes 0.01178 and 0.01622; ESP Exome Variant Server 0.01300; 1000 Genomes Project 0.00659; gnomAD 0.01136 and 0.01172; ExAC 0.01160; TOPMed 0.01177.
gnomAD v4.1: 25,358 of 1,608,306 alleles (1.6%); highest among the groups gnomAD compares: Non-Finnish European, 1.8%; 239 homozygotes.

Submissions (28):

CeGaT Center for Human Genetics Tuebingen
Classification: Benign. Last evaluated: 2026-09-01. Review status: criteria provided, single submitter. Criteria: CeGaT Center For Human Genetics Tuebingen Variant Classification Criteria Version 2. Collection method: clinical testing. Allele origin: germline. Affected: yes. Observed: 148 variant alleles.
Comment: TTN: BS1, BS2

Molecular Diagnostic Laboratory for Inherited Cardiovascular Disease, Montreal Heart Institute
Classification: Likely benign. Last evaluated: 2026-03-27. Review status: criteria provided, single submitter. Criteria: ACMG Guidelines, 2015. Collection method: clinical testing. Allele origin: germline. Affected: no.

Labcorp Genetics (formerly Invitae), Labcorp
Classification: Benign for Dilated cardiomyopathy 1G; Autosomal recessive limb-girdle muscular dystrophy type 2J. Last evaluated: 2026-02-04. Review status: criteria provided, single submitter. Criteria: Invitae Variant Classification Sherloc (09022015). Collection method: clinical testing. Allele origin: germline.

ARUP Laboratories, Molecular Genetics and Genomics, ARUP Laboratories
Classification: Benign. Last evaluated: 2025-05-29. Review status: criteria provided, single submitter. Criteria: ARUP Molecular Germline Variant Investigation Process 2024. Collection method: clinical testing. Allele origin: germline.

Blueprint Genetics
Classification: Likely benign. Last evaluated: 2024-11-26. Review status: criteria provided, single submitter. Criteria: ACMG Guidelines, 2015. Collection method: clinical testing. Allele origin: germline.

Mayo Clinic Laboratories, Mayo Clinic
Classification: Benign. Last evaluated: 2022-10-21. Review status: criteria provided, single submitter. Criteria: ACMG Guidelines, 2015. Collection method: clinical testing. Allele origin: germline. Observed: 84 variant alleles.

Genome-Nilou Lab
Classification: Benign for Autosomal recessive limb-girdle muscular dystrophy type 2J. Last evaluated: 2021-09-10. Review status: criteria provided, single submitter. Criteria: ACMG Guidelines, 2015. Collection method: clinical testing. Allele origin: germline. Affected: no.

Genome-Nilou Lab
Classification: Benign for Myopathy, myofibrillar, 9, with early respiratory failure. Last evaluated: 2021-09-10. Review status: criteria provided, single submitter. Criteria: ACMG Guidelines, 2015. Collection method: clinical testing. Allele origin: germline. Affected: no.

Genome-Nilou Lab
Classification: Benign for Early-onset myopathy with fatal cardiomyopathy. Last evaluated: 2021-09-10. Review status: criteria provided, single submitter. Criteria: ACMG Guidelines, 2015. Collection method: clinical testing. Allele origin: germline. Affected: no.

Genome-Nilou Lab
Classification: Benign for Tibial muscular dystrophy. Last evaluated: 2021-09-10. Review status: criteria provided, single submitter. Criteria: ACMG Guidelines, 2015. Collection method: clinical testing. Allele origin: germline. Affected: no.

Women's Health and Genetics/Laboratory Corporation of America, LabCorp
Classification: Likely benign. Last evaluated: 2020-04-18. Review status: criteria provided, single submitter. Criteria: LabCorp Variant Classification Summary - May 2015. Collection method: clinical testing. Allele origin: germline.

Illumina Laboratory Services, Illumina
Classification: Benign for Tibial muscular dystrophy. Last evaluated: 2018-01-13. Review status: criteria provided, single submitter. Criteria: ICSL Variant Classification Criteria 13 December 2019. Collection method: clinical testing. Allele origin: germline.
Comment: This variant was observed in the ICSL laboratory as part of a predisposition screen in an ostensibly healthy population. It had not been previously curated by ICSL or reported in the Human Gene Mutation Database (HGMD: prior to June 1st, 2018), and was therefore a candidate for classification through an automated scoring system. Utilizing variant allele frequency, disease prevalence and penetrance estimates, and inheritance mode, an automated score was calculated to assess if this variant is too frequent to cause the disease. Based on the score and internal cut-off values, a variant classified as benign is not then subjected to further curation. The score for this variant resulted in a classification of benign for this disease.

Illumina Laboratory Services, Illumina
Classification: Likely benign for Dilated cardiomyopathy 1G. Last evaluated: 2018-01-13. Review status: criteria provided, single submitter. Criteria: ICSL Variant Classification Criteria 13 December 2019. Collection method: clinical testing. Allele origin: germline.
Comment: This variant was observed in the ICSL laboratory as part of a predisposition screen in an ostensibly healthy population. It had not been previously curated by ICSL or reported in the Human Gene Mutation Database (HGMD: prior to June 1st, 2018), and was therefore a candidate for classification through an automated scoring system. Utilizing variant allele frequency, disease prevalence and penetrance estimates, and inheritance mode, an automated score was calculated to assess if this variant is too frequent to cause the disease. Based on the score and internal cut-off values, a variant classified as likely benign is not then subjected to further curation. The score for this variant resulted in a classification of likely benign for this disease.

Illumina Laboratory Services, Illumina
Classification: Likely benign for Early-onset myopathy with fatal cardiomyopathy. Last evaluated: 2018-01-13. Review status: criteria provided, single submitter. Criteria: ICSL Variant Classification Criteria 13 December 2019. Collection method: clinical testing. Allele origin: germline.
Comment: the same text as in the submission from Illumina Laboratory Services, Illumina above.

Illumina Laboratory Services, Illumina
Classification: Benign for Myopathy, myofibrillar, 9, with early respiratory failure. Last evaluated: 2018-01-13. Review status: criteria provided, single submitter. Criteria: ICSL Variant Classification Criteria 13 December 2019. Collection method: clinical testing. Allele origin: germline.
Comment: the same text as in the submission from Illumina Laboratory Services, Illumina above.

Illumina Laboratory Services, Illumina
Classification: Likely benign for Autosomal recessive limb-girdle muscular dystrophy type 2J. Last evaluated: 2018-01-13. Review status: criteria provided, single submitter. Criteria: ICSL Variant Classification Criteria 13 December 2019. Collection method: clinical testing. Allele origin: germline.
Comment: the same text as in the submission from Illumina Laboratory Services, Illumina above.

Eurofins Ntd Llc (ga)
Classification: Benign. Last evaluated: 2017-04-06. Review status: criteria provided, single submitter. Criteria: EGL Classification Definitions 2015. Collection method: clinical testing. Allele origin: germline. Observed: 2 variant alleles, 2 heterozygotes.

GeneDx
Classification: Benign. Last evaluated: 2013-07-03. Review status: criteria provided, single submitter. Criteria: GeneDx Variant Classification (06012015). Collection method: clinical testing. Allele origin: germline. Affected: yes.
Comment: This variant is considered likely benign or benign based on one or more of the following criteria: it is a conservative change, it occurs at a poorly conserved position in the protein, it is predicted to be benign by multiple in silico algorithms, and/or has population frequency not consistent with disease.

Biesecker Lab/Clinical Genomics Section, National Institutes of Health
Classification: Benign. Last evaluated: 2013-06-24. Review status: criteria provided, single submitter. Criteria: Ng et al. (Circ Cardiovasc Genet. 2013). Collection method: research. Allele origin: unknown. Observed: 18 variant alleles. Study: ClinSeq.
Comment: The study set was not selected for affection status in relation to any cancer. Pathogenicity categories were based on literature curation. See Pubmed ID:23861362 for details.

Medical sequencing

Ambry Genetics
Classification: Benign for Cardiovascular phenotype. Last evaluated: 2013-01-08. Review status: criteria provided, single submitter. Criteria: Ambry Autosomal Dominant and X-Linked criteria (10/2015). Collection method: clinical testing. Allele origin: germline. Observed: 1 variant allele.

Laboratory for Molecular Medicine, Mass General Brigham Personalized Medicine
Classification: Benign. Last evaluated: 2012-03-22. Review status: criteria provided, single submitter. Criteria: LMM Criteria. Collection method: clinical testing. Allele origin: germline. Observed: 56 variant alleles.
Comment: Gly5624Arg in exon 68 of TTN: This variant is not expected to have clinical sign ificance because it has been identified in 1.7% (112/6604) of European American chromosomes from a broad population by the NHLBI Exome Sequencing Project (dbSNP rs17355460).

Breakthrough Genomics
Classification: Likely benign. Review status: criteria provided, single submitter. Criteria: ACMG Guidelines, 2015. Collection method: not provided. Allele origin: germline. Inheritance: Autosomal recessive inheritance. Affected: yes.

PreventionGenetics, part of Exact Sciences
Classification: Benign. Review status: criteria provided, single submitter. Criteria: ACMG Guidelines, 2015. Collection method: clinical testing. Allele origin: germline.

Clinical Genetics DNA and cytogenetics Diagnostics Lab, Erasmus MC, Erasmus Medical Center
Classification: Benign. Review status: no assertion criteria provided. Collection method: clinical testing. Allele origin: germline. Affected: yes. Study: VKGL Data-share Consensus. Not counted in ClinVar's aggregate classification.

Clinical Genetics, Academic Medical Center
Classification: Benign. Review status: no assertion criteria provided. Collection method: clinical testing. Allele origin: germline. Affected: yes. Study: VKGL Data-share Consensus. Not counted in ClinVar's aggregate classification.

Diagnostic Laboratory, Department of Genetics, University Medical Center Groningen
Classification: Likely benign. Review status: no assertion criteria provided. Collection method: clinical testing. Allele origin: germline. Affected: yes. Study: VKGL Data-share Consensus. Not counted in ClinVar's aggregate classification.

Joint Genome Diagnostic Labs from Nijmegen and Maastricht, Radboudumc and MUMC+
Classification: Benign. Review status: no assertion criteria provided. Collection method: clinical testing. Allele origin: germline. Affected: yes. Study: VKGL Data-share Consensus. Not counted in ClinVar's aggregate classification.

Laboratory of Diagnostic Genome Analysis, Leiden University Medical Center (LUMC)
Classification: Likely benign. Review status: no assertion criteria provided. Collection method: clinical testing. Allele origin: germline. Affected: yes. Study: VKGL Data-share Consensus. Not counted in ClinVar's aggregate classification.